The following is an entry in ClinVar:

ClinVar aggregate classification (germline): Conflicting classifications of pathogenicity. Review status: criteria provided, conflicting classifications (1 of 4 stars). 6 submissions from 6 submitters: Uncertain significance (1); Benign (2); Likely benign (3). Last evaluated 2026-08-01.

Conditions:
Collagen 6-related myopathy. Identifiers: MedGen CN117976, MONDO:0100225.
Bethlem myopathy 1A. Also called: Bethlem Muscular Dystrophy; MYOPATHY, BENIGN CONGENITAL, WITH CONTRACTURES; Bethlem myopathy 1. Identifiers: Orphanet 610, MedGen CN029274, MONDO:0024530, OMIM 158810.

Allele frequency attached by ClinVar (database versions not stated): TOPMed 0.00049; gnomAD exomes 0.00058 and 0.00065; ESP Exome Variant Server 0.00069; ExAC 0.00071; gnomAD 0.00074 and 0.00076.

Submissions (6):

CeGaT Center for Human Genetics Tuebingen
Classification: Likely benign. Last evaluated: 2026-08-01. Review status: criteria provided, single submitter. Criteria: CeGaT Center For Human Genetics Tuebingen Variant Classification Criteria Version 2. Collection method: clinical testing. Allele origin: germline. Affected: yes. Observed: 6 variant alleles.
Comment: COL6A1: BP4, BP7

Labcorp Genetics (formerly Invitae), Labcorp
Classification: Benign for Bethlem myopathy 1A. Last evaluated: 2025-12-29. Review status: criteria provided, single submitter. Criteria: Invitae Variant Classification Sherloc (09022015). Collection method: clinical testing. Allele origin: germline.

Laboratory of Genetics, Children's Clinical University Hospital Latvia
Classification: Likely benign. Last evaluated: 2025-02-16. Review status: criteria provided, single submitter. Criteria: ACMG Guidelines, 2015. Collection method: clinical testing. Allele origin: germline. Affected: yes.

Illumina Laboratory Services, Illumina
Classification: Benign for Collagen VI-related myopathy. Last evaluated: 2018-01-12. Review status: criteria provided, single submitter. Criteria: ICSL Variant Classification Criteria 13 December 2019. Collection method: clinical testing. Allele origin: germline.
Comment: This variant was observed in the ICSL laboratory as part of a predisposition screen in an ostensibly healthy population. It had not been previously curated by ICSL or reported in the Human Gene Mutation Database (HGMD: prior to June 1st, 2018), and was therefore a candidate for classification through an automated scoring system. Utilizing variant allele frequency, disease prevalence and penetrance estimates, and inheritance mode, an automated score was calculated to assess if this variant is too frequent to cause the disease. Based on the score and internal cut-off values, a variant classified as benign is not then subjected to further curation. The score for this variant resulted in a classification of benign for this disease.

Eurofins Ntd Llc (ga)
Classification: Uncertain significance. Last evaluated: 2016-09-13. Review status: criteria provided, single submitter. Criteria: EGL Classification Definitions 2015. Collection method: clinical testing. Allele origin: germline. Observed: 3 variant alleles, 3 heterozygotes.

PreventionGenetics, part of Exact Sciences
Classification: Likely benign. Review status: criteria provided, single submitter. Criteria: ACMG Guidelines, 2015. Collection method: clinical testing. Allele origin: germline.

NM_001848.3(COL6A1):c.1584G>A (p.Pro528=)

Gene: COL6A1 (collagen type VI alpha 1 chain; plus strand). Cytogenetic location: 21q22.3.
Variant type: single nucleotide variant.
Coding change: c.1584G>A on transcript NM_001848.3 (MANE Select); coding-DNA position 1584, G replaced by A.
Protein change: p.Pro528=; no amino-acid change (proline 528 retained).
Molecular consequence: synonymous variant.
Genome position (GRCh38, 1-based): chr21:45,998,406, G>A. VCF-style: chr21-45998406-G-A. GRCh37 (hg19) VCF-style: chr21-47418320-G-A.
Identifiers: ClinVar variation 258287 (VCV000258287.49), dbSNP rs139243418, ClinGen allele CA10070429.
Genomic context (GRCh38, chr21:45,998,406, plus strand): 5'-CCTCCCCTCTCAAATCAGAACCCGGTATCACTGCCCTGCTTTTCCATGACAGGGGTATCC[G>A]GGCAACAGGGGCGCTCCCGGGATAAACGTGAGTACGCCCCCTCCTCCATCTGGCTGTGGG-3'
Protein context (NP_001839.2, residues 518-538): TEGFPGFPGY[Pro528=]GNRGAPGING